The following is an entry in ClinVar:

ClinVar aggregate classification (germline): Conflicting classifications of pathogenicity. Review status: criteria provided, conflicting classifications (1 of 4 stars). 2 submissions from 2 submitters: Uncertain significance (1); Likely benign (1). Last evaluated 2025-11-24.

Conditions:
Cardiovascular phenotype. Identifiers: MedGen CN230736.
Noonan syndrome 9 (NS9). Identifiers: Orphanet 648, MedGen C4225282, MONDO:0014691, OMIM 616559.

Allele frequency attached by ClinVar (database versions not stated): gnomAD exomes 0.00001; TOPMed 0.00002.
gnomAD v4.1: 18 of 1,612,542 alleles (0.0011%); highest among the groups gnomAD compares: Non-Finnish European, 0.0015%; no homozygotes.

Submissions (2):

Ambry Genetics
Classification: Uncertain significance for Cardiovascular phenotype. Last evaluated: 2025-11-24. Review status: criteria provided, single submitter. Criteria: Ambry Variant Classification Scheme 2023. Collection method: clinical testing. Allele origin: germline.
Comment: The p.P755L variant (also known as c.2264C>T), located in coding exon 14 of the SOS2 gene, results from a C to T substitution at nucleotide position 2264. The proline at codon 755 is replaced by leucine, an amino acid with similar properties. This amino acid position is conserved. In addition, this alteration is predicted to be tolerated by in silico analysis. Since supporting evidence is limited at this time, the clinical significance of this alteration remains unclear.

Labcorp Genetics (formerly Invitae), Labcorp
Classification: Likely benign for Noonan syndrome 9. Last evaluated: 2025-10-17. Review status: criteria provided, single submitter. Criteria: Invitae Variant Classification Sherloc (09022015). Collection method: clinical testing. Allele origin: germline.

NM_006939.4(SOS2):c.2264C>T (p.Pro755Leu)

Gene: SOS2 (SOS Ras/Rho guanine nucleotide exchange factor 2; minus strand). Cytogenetic location: 14q21.3.
Variant type: single nucleotide variant.
Coding change: c.2264C>T on transcript NM_006939.4 (MANE Select); coding-DNA position 2264, C replaced by T.
Protein change: p.Pro755Leu; replaces proline 755 with leucine.
Molecular consequence: missense variant.
Genome position (GRCh38, 1-based): chr14:50,150,128, G>A on the plus strand (C>T on the coding strand, the complement: SOS2 is on the minus strand). VCF-style: chr14-50150128-G-A. GRCh37 (hg19) VCF-style: chr14-50616846-G-A.
Other names: short protein forms P755L.
Identifiers: ClinVar variation 863213 (VCV000863213.12), dbSNP rs868005783, ClinGen allele CA260729880.